The following is an entry in ClinVar:

ClinVar aggregate classification (germline): Likely benign (1 of 4 stars; one submission).

Allele frequency attached by ClinVar (database versions not stated): TOPMed 0.00014; 1000 Genomes Project 30x 0.00031; gnomAD 0.00051; 1000 Genomes Project 0.00060; ExAC 0.00108.
gnomAD v4.1: 432 of 1,561,722 alleles (0.028%); highest among the groups gnomAD compares: Non-Finnish European, 0.021%; 1 homozygote.

Submission:

CeGaT Center for Human Genetics Tuebingen
Classification: Likely benign. Last evaluated: 2024-06-01. Review status: criteria provided, single submitter. Criteria: CeGaT Center For Human Genetics Tuebingen Variant Classification Criteria Version 2. Collection method: clinical testing. Allele origin: germline. Affected: yes. Observed: 1 variant allele.
Comment: CDC50B: BP4, BP7

NM_001017970.3(CDC50B):c.342G>A (p.Leu114=)

Genes: CDC50B (cell division cycle 50 P4-ATPase accessory subunit B; minus strand), PRKCH (protein kinase C eta; plus strand). Cytogenetic location: 14q23.1.
Variant type: single nucleotide variant.
Coding change: c.342G>A on transcript NM_001017970.3 (MANE Select); coding-DNA position 342, G replaced by A.
Protein change: p.Leu114=; no amino-acid change (leucine 114 retained).
Molecular consequence: synonymous variant.
Genome position (GRCh38, 1-based): chr14:61,280,806, C>T on the plus strand (G>A on the coding strand, the complement: CDC50B is on the minus strand). VCF-style: chr14-61280806-C-T. GRCh37 (hg19) VCF-style: chr14-61747524-C-T.
Identifiers: ClinVar variation 3250561 (VCV003250561.18), dbSNP rs568462285.